The following is an entry in ClinVar:

NM_001308093.3(GATA4):c.1315G>A (p.Asp439Asn)

Gene: GATA4 (GATA binding protein 4). Cytogenetic location: 8p23.1.
Variant type: single nucleotide variant.
Coding change: c.1315G>A on transcript NM_001308093.3 (MANE Select); coding-DNA position 1315, G replaced by A.
Protein change: p.Asp439Asn; replaces aspartic acid 439 with asparagine.
Molecular consequence: missense variant.
Genome position (GRCh38, 1-based): chr8:11,758,458, G>A. VCF-style: chr8-11758458-G-A. GRCh37 (hg19) VCF-style: chr8-11615967-G-A.
Other names: c.694G>A, p.Asp232Asn (NM_001308094.2, NM_001374273.1); c.568G>A, p.Asp190Asn (NM_001374274.1); c.1312G>A, p.Asp438Asn (NM_002052.5); short protein forms D438N, D232N, D439N, D190N.
Identifiers: ClinVar variation 424039 (VCV000424039.4), dbSNP rs149351193, ClinGen allele CA16618586.

ClinVar aggregate classification (germline): Uncertain significance. Review status: criteria provided, multiple submitters, no conflicts (2 of 4 stars). 2 submissions from 2 submitters: Uncertain significance (2). Last evaluated 2021-10-21.

Conditions:
Atrial septal defect 2 (ASD2). Identifiers: Orphanet 1478, MedGen C1842778, MONDO:0011938, OMIM 607941.
Ventricular septal defect 1 (VSD1). Identifiers: MedGen C3280777, MONDO:0013746, OMIM 614429.
Atrioventricular septal defect 4 (AVSD4). Identifiers: MedGen C3280781, MONDO:0013747, OMIM 614430.
Testicular anomalies with or without congenital heart disease (TACHD). Identifiers: Orphanet 251510, MedGen C3809858, MONDO:0014239, OMIM 615542.
Tetralogy of Fallot (TOF). Identifiers: Orphanet 3303, MedGen C0039685, MONDO:0008542, OMIM 187500, HP:0001636.

Submissions (2):

Fulgent Genetics
Classification: Uncertain significance for Tetralogy of Fallot; Atrial septal defect 2; Ventricular septal defect 1; Atrioventricular septal defect 4; Testicular anomalies with or without congenital heart disease. Last evaluated: 2021-10-21. Review status: criteria provided, single submitter. Criteria: ACMG Guidelines, 2015. Collection method: clinical testing. Allele origin: unknown.

GeneDx
Classification: Uncertain significance. Last evaluated: 2019-10-04. Review status: criteria provided, single submitter. Criteria: GeneDx Variant Classification Process June 2021. Collection method: clinical testing. Allele origin: germline. Affected: yes.
Comment: Not observed in large population cohorts (Lek et al., 2016); In silico analysis, which includes protein predictors and evolutionary conservation, supports that this variant does not alter protein structure/function; Has not been previously published as pathogenic or benign to our knowledge